The following is an entry in ClinVar:

NM_133433.4(NIPBL):c.5087_5088del (p.Lys1696fs)

Gene: NIPBL (NIPBL cohesin loading factor; plus strand). Cytogenetic location: 5p13.2.
Variant type: Deletion.
Coding change: c.5087_5088del on transcript NM_133433.4 (MANE Select); coding-DNA positions 5087 to 5088, 2 bases deleted (AA; older notation c.5087_5088delAA).
Protein change: p.Lys1696fs; shifts the reading frame from lysine 1696.
Molecular consequence: frameshift variant.
Genome position (GRCh38, 1-based): chr5:37,020,535-37,020,536, AA deleted; deleting any 2 consecutive bases within chr5:37,020,532-37,020,536 gives the same sequence; the c. name uses the placement nearest the transcript's 3' end. VCF-style (leftmost placement, unchanged base first): chr5-37020531-CAA-C. GRCh37 (hg19) VCF-style: chr5-37020633-CAA-C.
Other names: c.5087_5088del, p.Lys1696fs (NM_015384.5); short protein forms K1696fs.
Identifiers: ClinVar variation 2121303 (VCV002121303.4), dbSNP rs2478316314, ClinGen allele CA2580073212.
Genomic context (GRCh38, chr5:37,020,531, plus strand): 5'-TTCTATATAGCCCAGTGGTTTCGAGACACAACTCTGGAAACAGAAAAAGCAATGAAATCA[CAA>C]AAAGATGAAGAATCATCTGAAGGAACACATCATGCAAAGGAAATTGAGACAACTGGCCAA-3'

ClinVar aggregate classification (germline): Pathogenic (1 of 4 stars; one submission).

Conditions:
Cornelia de Lange syndrome 1 (CDLS1). Also called: Brachmann de Lange syndrome; NIPBL-Related Cornelia de Lange Syndrome; TYPUS DEGENERATIVUS AMSTELODAMENSIS. Identifiers: Orphanet 199, MedGen C4551851, MONDO:0007387, OMIM 122470.

Submission:

Labcorp Genetics (formerly Invitae), Labcorp
Classification: Pathogenic for Cornelia de Lange syndrome 1. Last evaluated: 2022-04-14. Review status: criteria provided, single submitter. Criteria: Invitae Variant Classification Sherloc (09022015). Collection method: clinical testing. Allele origin: germline.
Comment: For these reasons, this variant has been classified as Pathogenic. This variant has not been reported in the literature in individuals affected with NIPBL-related conditions. This variant is not present in population databases (gnomAD no frequency). This sequence change creates a premature translational stop signal (p.Lys1696Argfs*2) in the NIPBL gene. It is expected to result in an absent or disrupted protein product. Loss-of-function variants in NIPBL are known to be pathogenic (PMID: 15318302, 19763162, 23505322, 29995837).

Literature cited by the submitters: PubMed 15318302; PubMed 19763162; PubMed 23505322; PubMed 29995837.